The following is an entry in ClinVar:

ClinVar aggregate classification (germline): Uncertain significance. Review status: criteria provided, multiple submitters, no conflicts (2 of 4 stars). 3 submissions from 3 submitters: Uncertain significance (2). 1 of the submissions does not count toward it. Last evaluated 2024-02-19.

Conditions:
Meckel syndrome, type 5 (MKS5). Identifiers: Orphanet 564, MedGen C1969052, MONDO:0012695, OMIM 611561.
COACH syndrome 3. Identifiers: MedGen C5436841, MONDO:0030862, OMIM 619113.
Joubert syndrome 7 (JBTS7). Identifiers: Orphanet 220497, MedGen C1969053, MONDO:0012694, OMIM 611560.
RPGRIP1L-related disorder. Also called: RPGRIP1L-related disorders; RPGRIP1L-related condition. Identifiers: MedGen CN239416.

Allele frequency attached by ClinVar (database versions not stated): gnomAD exomes below 0.00001; TOPMed 0.00001.
gnomAD v4.1: 1 of 1,612,864 alleles (0.000062%); highest among the groups gnomAD compares: African/African-American, 0.0013%; no homozygotes.

Submissions (3):

Fulgent Genetics
Classification: Uncertain significance for Joubert syndrome 7; Meckel syndrome, type 5; COACH syndrome 3. Last evaluated: 2024-02-19. Review status: criteria provided, single submitter. Criteria: ACMG Guidelines, 2015. Collection method: clinical testing. Allele origin: germline.

GeneDx
Classification: Uncertain significance. Last evaluated: 2023-01-27. Review status: criteria provided, single submitter. Criteria: GeneDx Variant Classification Process June 2021. Collection method: clinical testing. Allele origin: germline. Affected: yes.
Comment: Not observed at significant frequency in large population cohorts (gnomAD); In silico analysis supports that this missense variant has a deleterious effect on protein structure/function; Has not been previously published as pathogenic or benign to our knowledge

PreventionGenetics, part of Exact Sciences
Classification: Uncertain significance for RPGRIP1L-related condition. Last evaluated: 2023-11-27. Review status: no assertion criteria provided. Collection method: clinical testing. Allele origin: germline. Not counted in ClinVar's aggregate classification.
Comment: The RPGRIP1L c.1820T>C variant is predicted to result in the amino acid substitution p.Phe607Ser. To our knowledge, this variant has not been reported in the literature. This variant is reported in 0.0062% of alleles in individuals of African descent in gnomAD. At this time, the clinical significance of this variant is uncertain due to the absence of conclusive functional and genetic evidence.

NM_015272.5(RPGRIP1L):c.1820T>C (p.Phe607Ser)

Gene: RPGRIP1L (RPGRIP1 like; minus strand). Cytogenetic location: 16q12.2.
Variant type: single nucleotide variant.
Coding change: c.1820T>C on transcript NM_015272.5 (MANE Select); coding-DNA position 1820, T replaced by C.
Protein change: p.Phe607Ser; replaces phenylalanine 607 with serine.
Molecular consequence: missense variant.
Genome position (GRCh38, 1-based): chr16:53,652,867, A>G on the plus strand (T>C on the coding strand, the complement: RPGRIP1L is on the minus strand). VCF-style: chr16-53652867-A-G. GRCh37 (hg19) VCF-style: chr16-53686779-A-G.
Other names: c.1820T>C (NM_015272.4); c.1820T>C, p.Phe607Ser (NM_001127897.4, NM_001308334.3, NM_001330538.2); short protein forms F607S.
Identifiers: ClinVar variation 2412908 (VCV002412908.6), dbSNP rs1253471713, ClinGen allele CA395917250.
Genomic context (GRCh38, chr16:53,652,867, plus strand): 5'-TTATCTCCAGATGCCTGTAAAACTTCAGAAGAAAAGGTTACTTTGTTGATATGGATTTCA[A>G]ATAGATTTTCGCCTCGTTCTAAGTGGATGGTTTCATCAAATTCATCAACAGAGTCATCTG-3'
Protein context (NP_056087.2, residues 597-617): TIHLERGENL[Phe607Ser]EIHINKVTFS